The following is an entry in ClinVar:

ClinVar aggregate classification (germline): Uncertain significance. Review status: criteria provided, multiple submitters, no conflicts (2 of 4 stars). 2 submissions from 2 submitters: Uncertain significance (2). Last evaluated 2026-01-20.

Conditions:
COG4-congenital disorder of glycosylation. Also called: CONGENITAL DISORDER OF GLYCOSYLATION, TYPE IIj; CDG IIj; COG4-CDG. Identifiers: Orphanet 263501, MedGen C4303552, MONDO:0013281, OMIM 613489.

Allele frequency attached by ClinVar (database versions not stated): gnomAD 0.00010; TOPMed 0.00010; ESP Exome Variant Server 0.00031.
gnomAD v4.1: 59 of 1,612,518 alleles (0.0037%); highest among the groups gnomAD compares: African/African-American, 0.021%; no homozygotes.

Submissions (2):

Labcorp Genetics (formerly Invitae), Labcorp
Classification: Uncertain significance for COG4-congenital disorder of glycosylation. Last evaluated: 2026-01-20. Review status: criteria provided, single submitter. Criteria: Invitae Variant Classification Sherloc (09022015). Collection method: clinical testing. Allele origin: germline.
Comment: This sequence change replaces asparagine, which is neutral and polar, with serine, which is neutral and polar, at codon 644 of the COG4 protein (p.Asn644Ser). This variant is present in population databases (rs144763147, gnomAD 0.03%). This variant has not been reported in the literature in individuals affected with COG4-related conditions. ClinVar contains an entry for this variant (Variation ID: 1002699). Invitae Evidence Modeling of protein sequence and biophysical properties (such as structural, functional, and spatial information, amino acid conservation, physicochemical variation, residue mobility, and thermodynamic stability) indicates that this missense variant is not expected to disrupt COG4 protein function with a negative predictive value of 80%. In summary, the available evidence is currently insufficient to determine the role of this variant in disease. Therefore, it has been classified as a Variant of Uncertain Significance.

GeneDx
Classification: Uncertain significance. Last evaluated: 2025-10-07. Review status: criteria provided, single submitter. Criteria: GeneDx Variant Classification Process June 2021. Collection method: clinical testing. Allele origin: germline. Affected: yes.
Comment: In silico analysis suggests that this missense variant does not alter protein structure/function; Has not been previously published as pathogenic or benign to our knowledge

NM_015386.3(COG4):c.1931A>G (p.Asn644Ser)

Gene: COG4 (component of oligomeric golgi complex 4; minus strand). Cytogenetic location: 16q22.1.
Variant type: single nucleotide variant.
Coding change: c.1931A>G on transcript NM_015386.3 (MANE Select); coding-DNA position 1931, A replaced by G.
Protein change: p.Asn644Ser; replaces asparagine 644 with serine.
Molecular consequence: missense variant. On other transcripts: non-coding transcript variant (1).
Genome position (GRCh38, 1-based): chr16:70,482,165, T>C on the plus strand (A>G on the coding strand, the complement: COG4 is on the minus strand). VCF-style: chr16-70482165-T-C. GRCh37 (hg19) VCF-style: chr16-70516068-T-C.
Other names: c.1856A>G, p.Asn619Ser (NM_001195139.2); c.1505A>G, p.Asn502Ser (NM_001365426.1); short protein forms N502S, N619S, N644S.
Identifiers: ClinVar variation 1002699 (VCV001002699.13), dbSNP rs144763147, ClinGen allele CA8144114.